The following is an entry in ClinVar:

ClinVar aggregate classification (germline): Conflicting classifications of pathogenicity. Review status: criteria provided, conflicting classifications (1 of 4 stars). 5 submissions from 5 submitters: Uncertain significance (3); Likely benign (2). Last evaluated 2025-12-19.

Conditions:
Aortic aneurysm, familial thoracic 7 (AAT7). Also called: AORTIC DISSECTION, FAMILIAL, WITH OR WITHOUT AORTIC ANEURYSM. Identifiers: MedGen C3151077, MONDO:0013418, OMIM 613780.
Familial thoracic aortic aneurysm and aortic dissection (TAAD). Also called: Thoracic aortic aneurysms and dissections. Identifiers: Orphanet 91387, MedGen C4707243, MONDO:0019625.

Allele frequency attached by ClinVar (database versions not stated): TOPMed 0.00003; 1000 Genomes Project 30x 0.00016.
gnomAD v4.1: 198 of 1,613,898 alleles (0.012%); highest among the groups gnomAD compares: East Asian, 0.44%; 1 homozygote.

Submissions (5):

Labcorp Genetics (formerly Invitae), Labcorp
Classification: Likely benign for Aortic aneurysm, familial thoracic 7. Last evaluated: 2025-12-19. Review status: criteria provided, single submitter. Criteria: Invitae Variant Classification Sherloc (09022015). Collection method: clinical testing. Allele origin: germline.

Ambry Genetics
Classification: Uncertain significance for Familial thoracic aortic aneurysm and aortic dissection. Last evaluated: 2024-04-23. Review status: criteria provided, single submitter. Criteria: Ambry Variant Classification Scheme 2023. Collection method: clinical testing. Allele origin: germline.
Comment: The p.P443T variant (also known as c.1327C>A), located in coding exon 8 of the MYLK gene, results from a C to A substitution at nucleotide position 1327. The proline at codon 443 is replaced by threonine, an amino acid with highly similar properties. This alteration has been reported in a sudden infant death syndrome (SIDS) cohort and a thoracic aortic aneurysm and dissection (TAAD) (Neubauer J et al. Eur J Hum Genet, 2017 Apr;25:404-409; Li J et al. Mol Genet Genomic Med, 2021 Oct;9:e1800). This amino acid position is well conserved in available vertebrate species. In addition, the in silico prediction for this alteration is inconclusive. Based on the available evidence, the clinical significance of this variant remains unclear.

GeneDx
Classification: Uncertain significance. Last evaluated: 2023-08-01. Review status: criteria provided, single submitter. Criteria: GeneDx Variant Classification Process June 2021. Collection method: clinical testing. Allele origin: germline. Affected: yes.
Comment: Identified in a patient with thoracic aortic aneurysm and dissection (TAAD) in published literature (PMID: 34498425); In silico analysis supports that this missense variant has a deleterious effect on protein structure/function; This variant is associated with the following publications: (PMID: 34498425)

Mayo Clinic Laboratories, Mayo Clinic
Classification: Uncertain significance. Last evaluated: 2023-03-17. Review status: criteria provided, single submitter. Criteria: ACMG Guidelines, 2015. Collection method: clinical testing. Allele origin: germline. Observed: 1 variant allele.
Comment: BS1

CHEO Genetics Diagnostic Laboratory, Children's Hospital of Eastern Ontario
Classification: Likely benign for Familial thoracic aortic aneurysm and aortic dissection. Last evaluated: 2020-11-20. Review status: criteria provided, single submitter. Criteria: ACMG Guidelines, 2015. Collection method: clinical testing. Allele origin: germline.

Literature cited by the submitters: PubMed 28074886 (cited by Ambry Genetics); PubMed 34498425 (cited by Ambry Genetics and Mayo Clinic Laboratories, Mayo Clinic).

NM_053025.4(MYLK):c.1327C>A (p.Pro443Thr)

Gene: MYLK (myosin light chain kinase; minus strand). Cytogenetic location: 3q21.1.
Variant type: single nucleotide variant.
Coding change: c.1327C>A on transcript NM_053025.4 (MANE Select); coding-DNA position 1327, C replaced by A.
Protein change: p.Pro443Thr; replaces proline 443 with threonine.
Molecular consequence: missense variant. On other transcripts: intron variant (2).
Genome position (GRCh38, 1-based): chr3:123,733,085, G>T on the plus strand (C>A on the coding strand, the complement: MYLK is on the minus strand). VCF-style: chr3-123733085-G-T. GRCh37 (hg19) VCF-style: chr3-123451932-G-T.
Other names: p.Pro443Thr; c.799C>A, p.Pro267Thr (NM_001321309.2); c.1327C>A, p.Pro443Thr (NM_053027.4); c.1309+602C>A (NM_053028.4, NM_053026.4); short protein forms P267T, P443T.
Identifiers: ClinVar variation 949112 (VCV000949112.12), dbSNP rs35156360, ClinGen allele CA066997.
Genomic context (GRCh38, chr3:123,733,085, plus strand): 5'-CCTCAATGCTGCCTTCCTGTCTCCTCACGGGGGTGCCTTCCAGGAACCAGGCCACTTCAG[G>T]CTTTGGAATCCCGGAAACTACAGGGCCAGGTAAAGAACGTGAGCTCCCTATGCCCTGGAG-3'
Protein context (NP_444253.3, residues 433-453): FRCEVSGIPK[Pro443Thr]EVAWFLEGTP